The following is an entry in ClinVar:

NM_058172.6(ANTXR2):c.224G>A (p.Ser75Asn)

Gene: ANTXR2 (ANTXR cell adhesion molecule 2; minus strand). Cytogenetic location: 4q21.21.
Variant type: single nucleotide variant.
Coding change: c.224G>A on transcript NM_058172.6 (MANE Select); coding-DNA position 224, G replaced by A.
Protein change: p.Ser75Asn; replaces serine 75 with asparagine.
Molecular consequence: missense variant. On other transcripts: 5 prime UTR variant (2).
Genome position (GRCh38, 1-based): chr4:80,071,583, C>T on the plus strand (G>A on the coding strand, the complement: ANTXR2 is on the minus strand). VCF-style: chr4-80071583-C-T. GRCh37 (hg19) VCF-style: chr4-80992737-C-T.
Other names: c.224G>A, p.Ser75Asn (NM_001145794.2); c.-8G>A (NM_001286780.2, NM_001286781.2); short protein forms S75N.
Identifiers: ClinVar variation 4847262 (VCV004847262.1).
Genomic context (GRCh38, chr4:80,071,583, plus strand): 5'-GGAAATTCTACACTTTGCTCTACTTCTCCACTGCCTAGAAAAGTAAAGTAAGAAAGATAC[C>T]TCACAAATCTCTCCGCAAGTTGCTGTACGAAATTATAAATTTCAATCCAGTTATTTGCCA-3'
Protein context (NP_477520.2, residues 65-85): FVQQLAERFV[Ser75Asn]PEMRLSFIVF

ClinVar aggregate classification (germline): Uncertain significance (1 of 4 stars; one submission).

Submission:

Women's Health and Genetics/Laboratory Corporation of America, LabCorp
Classification: Uncertain significance. Last evaluated: 2026-03-13. Review status: criteria provided, single submitter. Criteria: LabCorp Variant Classification Summary - May 2015. Collection method: clinical testing. Allele origin: germline.
Comment: Variant summary: ANTXR2 c.224G>A (p.Ser75Asn) results in a conservative amino acid change in the encoded protein sequence. Algorithms developed to predict the effect of missense changes on protein structure and function are either unavailable or do not agree on the potential impact of this missense change. Several computational tools predict a significant impact on normal splicing: Two predict the variant abolishes a 5' splicing donor site. One predict the variant weakens a 5' donor site. However, these predictions have yet to be confirmed by functional studies. The variant was absent in 248870 control chromosomes. The available data on variant occurrences in the general population are insufficient to allow any conclusion about variant significance. To our knowledge, no occurrence of c.224G>A in individuals affected with ANTXR2-related conditions and no experimental evidence demonstrating its impact on protein function have been reported. No submitters have cited clinical-significance assessments for this variant to ClinVar. Based on the evidence outlined above, the variant was classified as uncertain significance.